The following is an entry in ClinVar:

ClinVar aggregate classification (germline): Uncertain significance (0 of 4 stars; one submission).

Conditions:
Prostate cancer. Also called: Malignant tumor of prostate. Identifiers: Orphanet 1331, MedGen C0376358, MONDO:0008315, HP:0012125.

Submission:

Science for Life laboratory,  Karolinska Institutet
Classification: Uncertain significance for Malignant tumor of prostate. Review status: no assertion criteria provided. Collection method: not provided. Allele origin: somatic.
Comment: TumorID:SWE-90B
ClinVar note: Converted during submission from Unknown to Uncertain significance.

NM_170692.4(RASAL2):c.3820G>T (p.Glu1274Ter)

Gene: RASAL2 (RAS protein activator like 2; plus strand). Cytogenetic location: 1q25.2.
Variant type: single nucleotide variant.
Coding change: c.3820G>T on transcript NM_170692.4 (MANE Select); coding-DNA position 3820, G replaced by T.
Protein change: p.Glu1274Ter; replaces glutamic acid 1274 with a stop codon.
Molecular consequence: nonsense.
Genome position (GRCh38, 1-based): chr1:178,473,216, G>T. VCF-style: chr1-178473216-G-T. GRCh37 (hg19) VCF-style: chr1-178442351-G-T.
Other names: c.3397G>T, p.Glu1133Ter (NM_004841.5); short protein forms E1133*, E1274*.
Identifiers: ClinVar variation 161625 (VCV000161625.2), dbSNP rs193921085, ClinGen allele CA174483.